The following is an entry in ClinVar:

ClinVar aggregate classification (germline): Uncertain significance (1 of 4 stars; one submission).

Conditions:
Glucocorticoid deficiency 4. Also called: Glucocorticoid deficiency 4 with or without mineralocorticoid deficiency. Identifiers: Orphanet 361, MedGen C3553587, MONDO:0013874, OMIM 614736.

Submission:

3billion
Classification: Uncertain significance for Glucocorticoid deficiency 4. Last evaluated: 2025-05-09. Review status: criteria provided, single submitter. Criteria: ACMG Guidelines, 2015. Collection method: clinical testing. Allele origin: germline. Affected: yes.
Comment: The variant is not observed in the gnomAD v4.1.0 dataset. Predicted Consequence/Location: Missense variant In silico tool predictions suggest damaging effect of the variant on gene or gene product [REVEL: 0.86 (>=0.6, sensitivity 0.68 and specificity 0.92)]. A different missense change at the same codon (p.Met337Val) has been reported to be associated with NNT-related disorder (PMID: 27129361). Therefore, this variant is classified as VUS according to the recommendation of ACMG/AMP guideline.

Literature cited by the submitters: PubMed 27129361.

NM_182977.3(NNT):c.1010T>G (p.Met337Arg)

Gene: NNT (nicotinamide nucleotide transhydrogenase; plus strand). Cytogenetic location: 5p12.
Variant type: single nucleotide variant.
Coding change: c.1010T>G on transcript NM_182977.3 (MANE Select); coding-DNA position 1010, T replaced by G.
Protein change: p.Met337Arg; replaces methionine 337 with arginine.
Molecular consequence: missense variant.
Genome position (GRCh38, 1-based): chr5:43,644,237, T>G. VCF-style: chr5-43644237-T-G. GRCh37 (hg19) VCF-style: chr5-43644339-T-G.
Other names: c.617T>G, p.Met206Arg (NM_001331026.2); c.1010T>G, p.Met337Arg (NM_012343.4); short protein forms M206R, M337R.
Identifiers: ClinVar variation 4855541 (VCV004855541.1).
Genomic context (GRCh38, chr5:43,644,237, plus strand): 5'-CTTTGATTTTATTAGGTAAAAAAGCTCCAGTTTTATTTAATAAAGAAATGATTGAGTCAA[T>G]GAAGGAAGGTTCAGTTGTTGTGGATTTAGCTGCTGAGGCTGGTGGAAACTTTGAAACCAC-3'
Protein context (NP_892022.2, residues 327-347): VLFNKEMIES[Met337Arg]KEGSVVVDLA